The following is an entry in ClinVar:

ClinVar aggregate classification (germline): Pathogenic (1 of 4 stars; one submission).

Submission:

ARUP Laboratories, Molecular Genetics and Genomics, ARUP Laboratories
Classification: Pathogenic. Last evaluated: 2017-06-26. Review status: criteria provided, single submitter. Criteria: ARUP Molecular Germline Variant Investigation Process. Collection method: clinical testing. Allele origin: germline.
Comment: The p.Tyr2092Ter variant has been previously identified in a cohort of symptomatic French patients (Tuffery-Giraud 2004) and is absent from general population databases such as 1000 Genomes, the NHLBI GO Exome Sequencing Project (ESP), and the Genome Aggregation Database (gnomAD) browser. The p.Tyr2092Ter variant creates an early termination codon in exon 43 and is expected to result in a truncated or absent protein product. Altogether, the p.Tyr2092Ter variant satisfies our criteria for classification as pathogenic.

NM_004006.3(DMD):c.6276C>G (p.Tyr2092Ter)

Gene: DMD (dystrophin; minus strand). Cytogenetic location: Xp21.1.
Variant type: single nucleotide variant.
Coding change: c.6276C>G on transcript NM_004006.3 (MANE Select); coding-DNA position 6276, C replaced by G.
Protein change: p.Tyr2092Ter; replaces tyrosine 2092 with a stop codon.
Molecular consequence: nonsense.
Genome position (GRCh38, 1-based): chrX:32,287,543, G>C on the plus strand (C>G on the coding strand, the complement: DMD is on the minus strand). VCF-style: chrX-32287543-G-C. GRCh37 (hg19) VCF-style: chrX-32305660-G-C.
Other names: c.6252C>G, p.Tyr2084Ter (NM_000109.4); c.6264C>G, p.Tyr2088Ter (NM_004009.3); c.5907C>G, p.Tyr1969Ter (NM_004010.3); c.2253C>G, p.Tyr751Ter (NM_004011.4); c.2244C>G, p.Tyr748Ter (NM_004012.4); short protein forms Y2092*, Y751*, Y2084*, Y2088*, Y748*, Y1969*.
Identifiers: ClinVar variation 618598 (VCV000618598.9), dbSNP rs1569555987, ClinGen allele CA412665581.